The following is an entry in ClinVar:

ClinVar aggregate classification (germline): Likely benign. Review status: criteria provided, multiple submitters, no conflicts (2 of 4 stars). 4 submissions from 4 submitters: Likely benign (2). 2 of the submissions do not count toward it. Last evaluated 2025-05-30.

Conditions:
DNAI1-related disorder. Also called: DNAI1-related condition.
Primary ciliary dyskinesia. Also called: Ciliary dyskinesia. Identifiers: Orphanet 244, MedGen C0008780, MONDO:0016575, HP:0012265.

Allele frequency attached by ClinVar (database versions not stated): gnomAD exomes 0.00002 and 0.00004; ExAC 0.00005; TOPMed 0.00022; gnomAD 0.00027 and 0.00029; 1000 Genomes Project 30x 0.00047; 1000 Genomes Project 0.00060.
gnomAD v4.1: 78 of 1,614,226 alleles (0.0048%); highest among the groups gnomAD compares: African/African-American, 0.091%; no homozygotes.

Submissions (4):

Labcorp Genetics (formerly Invitae), Labcorp
Classification: Likely benign for Primary ciliary dyskinesia. Last evaluated: 2025-05-30. Review status: criteria provided, single submitter. Criteria: Invitae Variant Classification Sherloc (09022015). Collection method: clinical testing. Allele origin: germline.

Ambry Genetics
Classification: Likely benign for Primary ciliary dyskinesia. Last evaluated: 2021-06-03. Review status: criteria provided, single submitter. Criteria: Ambry Variant Classification Scheme 2023. Collection method: clinical testing. Allele origin: germline.

PreventionGenetics, part of Exact Sciences
Classification: Likely benign for DNAI1-related condition. Last evaluated: 2023-03-10. Review status: no assertion criteria provided. Collection method: clinical testing. Allele origin: germline. Not counted in ClinVar's aggregate classification.
Comment: This variant is classified as likely benign based on ACMG/AMP sequence variant interpretation guidelines (Richards et al. 2015 PMID: 25741868, with internal and published modifications).

Natera, Inc.
Classification: Uncertain significance for Primary ciliary dyskinesia. Last evaluated: 2020-01-24. Review status: no assertion criteria provided. Collection method: clinical testing. Allele origin: germline. Not counted in ClinVar's aggregate classification.

NM_012144.4(DNAI1):c.1104C>T (p.Tyr368=)

Gene: DNAI1 (dynein axonemal intermediate chain 1; plus strand). Cytogenetic location: 9p13.3.
Variant type: single nucleotide variant.
Coding change: c.1104C>T on transcript NM_012144.4 (MANE Select); coding-DNA position 1104, C replaced by T.
Protein change: p.Tyr368=; no amino-acid change (tyrosine 368 retained).
Molecular consequence: synonymous variant.
Genome position (GRCh38, 1-based): chr9:34,506,667, C>T. VCF-style: chr9-34506667-C-T. GRCh37 (hg19) VCF-style: chr9-34506665-C-T.
Other names: c.1104C>T (NM_012144.2); c.1116C>T, p.Tyr372= (NM_001281428.2).
Identifiers: ClinVar variation 701278 (VCV000701278.16), dbSNP rs140711767, ClinGen allele CA5034298.